The following is an entry in ClinVar:

ClinVar aggregate classification (germline): Uncertain significance (1 of 4 stars; one submission).

Allele frequency attached by ClinVar (database versions not stated): gnomAD exomes below 0.00001; gnomAD 0.00001; TOPMed 0.00001.
gnomAD v4.1: 5 of 1,613,738 alleles (0.00031%); highest among the groups gnomAD compares: African/African-American, 0.0013%; no homozygotes.

Submission:

GeneDx
Classification: Uncertain significance. Last evaluated: 2022-05-27. Review status: criteria provided, single submitter. Criteria: GeneDx Variant Classification Process June 2021. Collection method: clinical testing. Allele origin: germline. Affected: yes.
Comment: Not observed at significant frequency in large population cohorts (gnomAD); In silico analysis supports that this missense variant has a deleterious effect on protein structure/function; Has not been previously published as pathogenic or benign to our knowledge

NM_001042681.2(RERE):c.2083G>A (p.Asp695Asn)

Gene: RERE (arginine-glutamic acid dipeptide repeats; minus strand). Cytogenetic location: 1p36.23.
Variant type: single nucleotide variant.
Coding change: c.2083G>A on transcript NM_001042681.2 (MANE Select); coding-DNA position 2083, G replaced by A.
Protein change: p.Asp695Asn; replaces aspartic acid 695 with asparagine.
Molecular consequence: missense variant.
Genome position (GRCh38, 1-based): chr1:8,361,424, C>T on the plus strand (G>A on the coding strand, the complement: RERE is on the minus strand). VCF-style: chr1-8361424-C-T. GRCh37 (hg19) VCF-style: chr1-8421484-C-T.
Other names: c.421G>A, p.Asp141Asn (NM_001042682.2); c.2083G>A, p.Asp695Asn (NM_012102.4); short protein forms D141N, D695N.
Identifiers: ClinVar variation 1800957 (VCV001800957.1), dbSNP rs1220737626, ClinGen allele CA338173326.